The following is an entry in ClinVar:

NM_020975.6(RET):c.2544G>A (p.Met848Ile)

Gene: RET (ret proto-oncogene; plus strand). Cytogenetic location: 10q11.21.
Variant type: single nucleotide variant.
Coding change: c.2544G>A on transcript NM_020975.6 (MANE Select); coding-DNA position 2544, G replaced by A.
Protein change: p.Met848Ile; replaces methionine 848 with isoleucine.
Molecular consequence: missense variant.
Genome position (GRCh38, 1-based): chr10:43,119,682, G>A. VCF-style: chr10-43119682-G-A. GRCh37 (hg19) VCF-style: chr10-43615130-G-A.
Other names: c.2544G>A, p.Met848Ile (NM_000323.2, NM_001406743.1, NM_001406744.1 and 4 more transcripts); c.1782G>A, p.Met594Ile (NM_001355216.2); c.2415G>A, p.Met805Ile (NM_001406761.1, NM_001406762.1, NM_001406764.1); c.2409G>A, p.Met803Ile (NM_001406763.1, NM_001406765.1); c.2256G>A, p.Met752Ile (NM_001406766.1, NM_001406767.1, NM_001406770.1); c.2280G>A, p.Met760Ile (NM_001406768.1); c.2148G>A, p.Met716Ile (NM_001406769.1, NM_001406772.1); c.2106G>A, p.Met702Ile (NM_001406771.1, NM_001406773.1); and 10 more; short protein forms M848I, M594I, M453I, M509I, M518I, M702I, M365I, M760I.
Identifiers: ClinVar variation 220266 (VCV000220266.18), dbSNP rs772684105, ClinGen allele CA039702.
Genomic context (GRCh38, chr10:43,119,682, plus strand): 5'-CAGTGGAGGCAGCCGCAACTCCAGCTCCCTGGACCACCCGGATGAGCGGGCCCTCACCAT[G>A]GGCGACCTCATCTCATTTGCCTGGCAGATCTCACAGGGGATGCAGTATCTGGCCGAGATG-3'
Protein context (NP_066124.1, residues 838-858): LDHPDERALT[Met848Ile]GDLISFAWQI

ClinVar aggregate classification (germline): Conflicting classifications of pathogenicity. Review status: criteria provided, conflicting classifications (1 of 4 stars). 4 submissions from 4 submitters: Uncertain significance (3); Likely benign (1). Last evaluated 2025-12-09.

Conditions:
Hirschsprung disease, susceptibility to, 1 (HSCR1). Also called: RET-Related Hirschsprung Disease. Identifiers: Orphanet 388, MedGen C3888239, MONDO:0007723, OMIM 142623.
Hereditary cancer-predisposing syndrome. Also called: Hereditary neoplastic syndrome; Tumor predisposition; Hereditary Cancer Syndrome; Neoplastic Syndromes, Hereditary. Identifiers: Orphanet 140162, MedGen C0027672, MeSH D009386, MONDO:0015356.
Multiple endocrine neoplasia, type 2 (MEN2). Identifiers: Orphanet 653, MedGen C4048306, MONDO:0019003. Disease mechanism: gain of function.

Allele frequency attached by ClinVar (database versions not stated): TOPMed below 0.00001; gnomAD 0.00001; gnomAD exomes 0.00001 and 0.00003; ExAC 0.00002.
gnomAD v4.1: 16 of 1,613,388 alleles (0.00099%); highest among the groups gnomAD compares: South Asian, 0.0011%; no homozygotes.

Submissions (4):

Labcorp Genetics (formerly Invitae), Labcorp
Classification: Uncertain significance for Multiple endocrine neoplasia, type 2. Last evaluated: 2025-12-09. Review status: criteria provided, single submitter. Criteria: Invitae Variant Classification Sherloc (09022015). Collection method: clinical testing. Allele origin: germline.
Comment: This sequence change replaces methionine, which is neutral and non-polar, with isoleucine, which is neutral and non-polar, at codon 848 of the RET protein (p.Met848Ile). This variant is present in population databases (rs772684105, gnomAD 0.06%). This variant has not been reported in the literature in individuals affected with RET-related conditions. ClinVar contains an entry for this variant (Variation ID: 220266). An algorithm developed to predict the effect of missense changes on protein structure and function (PolyPhen-2) suggests that this variant is likely to be tolerated. In summary, the available evidence is currently insufficient to determine the role of this variant in disease. Therefore, it has been classified as a Variant of Uncertain Significance.

All of Us Research Program, National Institutes of Health
Classification: Uncertain significance for Multiple endocrine neoplasia, type 2. Last evaluated: 2024-09-23. Review status: criteria provided, single submitter. Criteria: ACMG Guidelines, 2015. Collection method: clinical testing. Allele origin: germline. Inheritance: Autosomal dominant inheritance. Observed: 8 variant alleles, 8 heterozygotes.
Comment: This missense variant replaces methionine with isoleucine at codon 848 of the RET protein. Computational prediction suggests that this variant may not impact protein structure and function (internally defined REVEL score threshold <= 0.5, PMID: 27666373). To our knowledge, functional studies have not been reported for this variant. This variant has not been reported in individuals affected with hereditary cancer in the literature. This variant has been identified in 7/250818 chromosomes in the general population by the Genome Aggregation Database (gnomAD). The available evidence is insufficient to determine the role of this variant in disease conclusively. Therefore, this variant is classified as a Variant of Uncertain Significance.

This study involves interpretation of variants in research participants for the purpose of population health screening. Participant phenotype was not available at the time of variant classification. Additional details can be found in publication PMID: 35346344, PMCID: PMC8962531

Baylor Genetics
Classification: Uncertain significance for Hirschsprung disease, susceptibility to, 1. Last evaluated: 2023-12-22. Review status: criteria provided, single submitter. Criteria: ACMG Guidelines, 2015. Collection method: clinical testing. Allele origin: unknown.

Ambry Genetics
Classification: Likely benign for Hereditary cancer-predisposing syndrome. Last evaluated: 2023-10-13. Review status: criteria provided, single submitter. Criteria: Ambry Variant Classification Scheme 2023. Collection method: clinical testing. Allele origin: germline.